The following is an entry in ClinVar:

NM_001131016.2(CIZ1):c.173G>T (p.Gly58Val)

Gene: CIZ1 (CDKN1A interacting zinc finger protein 1; minus strand). Cytogenetic location: 9q34.11.
Variant type: single nucleotide variant.
Coding change: c.173G>T on transcript NM_001131016.2 (MANE Select); coding-DNA position 173, G replaced by T.
Protein change: p.Gly58Val; replaces glycine 58 with valine.
Molecular consequence: missense variant. On other transcripts: intron variant (1).
Genome position (GRCh38, 1-based): chr9:128,190,442, C>A on the plus strand (G>T on the coding strand, the complement: CIZ1 is on the minus strand). VCF-style: chr9-128190442-C-A. GRCh37 (hg19) VCF-style: chr9-130952721-C-A.
Other names: c.173G>T, p.Gly58Val (NM_001131015.2, NM_001131017.2, NM_001131018.2 and 1 more transcripts); c.263G>T, p.Gly88Val (NM_001257975.2); c.-18+246G>T (NM_001257976.2); short protein forms G88V, G58V.
Identifiers: ClinVar variation 2168628 (VCV002168628.4), dbSNP rs574844079, ClinGen allele CA5257661.

ClinVar aggregate classification (germline): Uncertain significance (1 of 4 stars; one submission).

Conditions:
Dystonic disorder. Also called: Dystonia. Identifiers: MedGen C0013421, MONDO:0003441, HP:0001332.

Allele frequency attached by ClinVar (database versions not stated): ExAC 0.00001; gnomAD 0.00001; TOPMed 0.00001; 1000 Genomes Project 30x 0.00016; 1000 Genomes Project 0.00020.
gnomAD v4.1: 2 of 1,610,856 alleles (0.00012%); highest among the groups gnomAD compares: African/African-American, 0.0013%; no homozygotes.

Submission:

Labcorp Genetics (formerly Invitae), Labcorp
Classification: Uncertain significance for Dystonic disorder. Last evaluated: 2023-06-14. Review status: criteria provided, single submitter. Criteria: Invitae Variant Classification Sherloc (09022015). Collection method: clinical testing. Allele origin: germline.
Comment: This sequence change replaces glycine, which is neutral and non-polar, with valine, which is neutral and non-polar, at codon 58 of the CIZ1 protein (p.Gly58Val). The frequency data for this variant in the population databases is considered unreliable, as metrics indicate poor data quality at this position in the gnomAD database. In summary, the available evidence is currently insufficient to determine the role of this variant in disease. Therefore, it has been classified as a Variant of Uncertain Significance. Algorithms developed to predict the effect of sequence changes on RNA splicing suggest that this variant may create or strengthen a splice site. An algorithm developed to predict the effect of missense changes on protein structure and function (PolyPhen-2) suggests that this variant is likely to be tolerated. ClinVar contains an entry for this variant (Variation ID: 2168628). This variant has not been reported in the literature in individuals affected with CIZ1-related conditions.